The following is an entry in ClinVar:

ClinVar aggregate classification (germline): Conflicting classifications of pathogenicity. Review status: criteria provided, conflicting classifications (1 of 4 stars). 7 submissions from 4 submitters: Likely pathogenic (2); Uncertain significance (4). 1 of the submissions does not count toward it. Last evaluated 2024-10-01.

Conditions:
PROM1-related disorder. Also called: PROM1-related condition; PROM1-related disorders.
Retinal dystrophy. Also called: Inherited retinal dystrophy. Identifiers: Orphanet 71862, MedGen C0854723, MeSH D058499, MONDO:0019118, HP:0000556.
Cone-rod dystrophy. Also called: Cone-rod degeneration; Cone/cone-rod dystrophy. Identifiers: Orphanet 1872, MedGen C4085590, MONDO:0015993, HP:0000548.
Retinal macular dystrophy type 2 (MCDR2). Also called: Bull's eye macular dystrophy. Identifiers: Orphanet 319640, MedGen C4749334, MONDO:0011957, OMIM 608051.
Retinitis pigmentosa (RP). Identifiers: Orphanet 791, MedGen C0035334, MeSH D012174, MONDO:0019200, OMIM 268000. Inheritance: Autosomal dominant, autosomal recessive and X linked inheritance.
Cone-rod dystrophy 12 (CORD12). Identifiers: Orphanet 1872, MedGen C2675210, MONDO:0012983, OMIM 612657.
Stargardt disease 4 (STGD4). Identifiers: Orphanet 827, MedGen C1863534, MONDO:0011370, OMIM 603786.

Allele frequency attached by ClinVar (database versions not stated): gnomAD exomes below 0.00001 and 0.00001; gnomAD 0.00001; TOPMed 0.00002.
gnomAD v4.1: 12 of 1,612,190 alleles (0.00074%); highest among the groups gnomAD compares: Non-Finnish European, 0.00093%; no homozygotes.

Submissions (7):

Lab De Baere, Eye and Developmental Genetics Lab, Ghent University
Classification: Likely pathogenic for Cone-rod dystrophy. Last evaluated: 2024-10-01. Review status: criteria provided, single submitter. Criteria: ACMG Guidelines, 2015. Collection method: research. Allele origin: inherited. Affected: yes. Observed: 1 variant allele.
Comment: ACMG/AMP guidelines: PM2, PP3, PP1, PM3_PS

Blueprint Genetics
Classification: Likely pathogenic for PROM1-related disorders. Last evaluated: 2021-05-10. Review status: criteria provided, single submitter. Criteria: ACMG Guidelines, 2015. Collection method: clinical testing. Allele origin: germline. Affected: yes. Observed: 3 variant alleles.

Illumina Laboratory Services, Illumina
Classification: Uncertain significance for Cone-rod dystrophy 12. Last evaluated: 2018-01-13. Review status: criteria provided, single submitter. Criteria: ICSL Variant Classification Criteria 13 December 2019. Collection method: clinical testing. Allele origin: germline.

Illumina Laboratory Services, Illumina
Classification: Uncertain significance for Retinal macular dystrophy type 2. Last evaluated: 2018-01-13. Review status: criteria provided, single submitter. Criteria: ICSL Variant Classification Criteria 13 December 2019. Collection method: clinical testing. Allele origin: germline.

Illumina Laboratory Services, Illumina
Classification: Uncertain significance for Retinitis pigmentosa. Last evaluated: 2018-01-13. Review status: criteria provided, single submitter. Criteria: ICSL Variant Classification Criteria 13 December 2019. Collection method: clinical testing. Allele origin: germline.

Illumina Laboratory Services, Illumina
Classification: Uncertain significance for Stargardt disease 4. Last evaluated: 2018-01-13. Review status: criteria provided, single submitter. Criteria: ICSL Variant Classification Criteria 13 December 2019. Collection method: clinical testing. Allele origin: germline.

NIHR Bioresource Rare Diseases, University of Cambridge
Classification: Likely pathogenic for Retinal dystrophy. Last evaluated: 2015-01-01. Review status: no assertion criteria provided. Collection method: research. Allele origin: unknown. Affected: yes. Observed: 1 variant allele. Not counted in ClinVar's aggregate classification.

Literature cited by the submitters: PubMed 28041643 (cited by NIHR Bioresource Rare Diseases, University of Cambridge).

NM_006017.3(PROM1):c.1002+5G>A

Gene: PROM1 (prominin 1; minus strand). Cytogenetic location: 4p15.32.
Variant type: single nucleotide variant.
Coding change: c.1002+5G>A on transcript NM_006017.3 (MANE Select); 5 bases into the intron after coding-DNA position 1002, G replaced by A.
Molecular consequence: intron variant.
Genome position (GRCh38, 1-based): chr4:16,018,318, C>T on the plus strand (G>A on the coding strand, the complement: PROM1 is on the minus strand). VCF-style: chr4-16018318-C-T. GRCh37 (hg19) VCF-style: chr4-16019941-C-T.
Other names: c.975+5G>A (NM_001145848.2, NM_001145852.2, NM_001145847.2 and 4 more transcripts); c.1002+5G>A (NM_001145850.2, NM_001145849.2).
Identifiers: ClinVar variation 438212 (VCV000438212.8), dbSNP rs1196489060, ClinGen allele CA550187763.